The following is an entry in ClinVar:

ClinVar aggregate classification (germline): Uncertain significance (1 of 4 stars; one submission).

Submission:

Labcorp Genetics (formerly Invitae), Labcorp
Classification: Uncertain significance. Last evaluated: 2022-06-27. Review status: criteria provided, single submitter. Criteria: Invitae Variant Classification Sherloc (09022015). Collection method: clinical testing. Allele origin: germline.
Comment: This variant is not present in population databases (gnomAD no frequency). In summary, the available evidence is currently insufficient to determine the role of this variant in disease. Therefore, it has been classified as a Variant of Uncertain Significance. This variant has not been reported in the literature in individuals affected with COMP-related conditions. This sequence change creates a premature translational stop signal (p.Ala133Profs*52) in the COMP gene. It is expected to result in an absent or disrupted protein product. However, the current clinical and genetic evidence is not sufficient to establish whether loss-of-function variants in COMP cause disease.

NM_000095.3(COMP):c.397_398del (p.Ala133fs)

Gene: COMP (cartilage oligomeric matrix protein; minus strand). Cytogenetic location: 19p13.11.
Variant type: Deletion.
Coding change: c.397_398del on transcript NM_000095.3 (MANE Select); coding-DNA positions 397 to 398, 2 bases deleted (GC; older notation c.397_398delGC).
Protein change: p.Ala133fs; shifts the reading frame from alanine 133.
Molecular consequence: frameshift variant.
Genome position (GRCh38, 1-based): chr19:18,789,290-18,789,291, GC deleted on the plus strand (GC on the coding strand, the reverse complement: COMP is on the minus strand); deleting any 2 consecutive bases within chr19:18,789,290-18,789,292 gives the same sequence; the c. name uses the placement nearest the transcript's 3' end. VCF-style (leftmost placement, unchanged base first): chr19-18789289-GGC-G. GRCh37 (hg19) VCF-style: chr19-18900098-GGC-G.
Other names: short protein forms A133fs.
Identifiers: ClinVar variation 1514131 (VCV001514131.6), dbSNP rs2145904172, ClinGen allele CA2573156208.